The following is an entry in ClinVar:

NM_025132.4(WDR19):c.738G>A (p.Met246Ile)

Gene: WDR19 (WD repeat domain 19; plus strand). Cytogenetic location: 4p14.
Variant type: single nucleotide variant.
Coding change: c.738G>A on transcript NM_025132.4 (MANE Select); coding-DNA position 738, G replaced by A.
Protein change: p.Met246Ile; replaces methionine 246 with isoleucine.
Molecular consequence: missense variant.
Genome position (GRCh38, 1-based): chr4:39,205,584, G>A. VCF-style: chr4-39205584-G-A. GRCh37 (hg19) VCF-style: chr4-39207204-G-A.
Other names: c.258G>A, p.Met86Ile (NM_001317924.2); c.738G>A (NM_025132.3); short protein forms M246I, M86I.
Identifiers: ClinVar variation 1484904 (VCV001484904.8), dbSNP rs756937727, ClinGen allele CA2891692.
Genomic context (GRCh38, chr4:39,205,584, plus strand): 5'-ATCTCCTTGTTTACCATATTGTTGCCTTCTTTGCTATAGGTATGGTGATGGCCGCATCAT[G>A]ATTGGTTTTTCATGTGGACATTTTGTGGTCATTTCTACTCATACTGGAGAGCTTGGTCAA-3'
Protein context (NP_079408.3, residues 236-256): CYNWYGDGRI[Met246Ile]IGFSCGHFVV

ClinVar aggregate classification (germline): Uncertain significance. Review status: criteria provided, multiple submitters, no conflicts (2 of 4 stars). 3 submissions from 3 submitters: Uncertain significance (3). Last evaluated 2025-01-03.

Conditions:
Inborn genetic diseases. Identifiers: MedGen C0950123, MeSH D030342.
Asphyxiating thoracic dystrophy 5 (SRTD5). Also called: SHORT-RIB THORACIC DYSPLASIA 5 WITH OR WITHOUT POLYDACTYLY; SHORT-RIB THORACIC DYSPLASIA 5 WITHOUT POLYDACTYLY. Identifiers: Orphanet 474, MedGen C3280598, MONDO:0013717, OMIM 614376.
Senior-Loken syndrome 8 (SLSN8). Identifiers: Orphanet 3156, MedGen C4225376, MONDO:0014579, OMIM 616307.

Allele frequency attached by ClinVar (database versions not stated): gnomAD 0.00001; gnomAD exomes 0.00002; ExAC 0.00004.
gnomAD v4.1: 13 of 1,613,404 alleles (0.00081%); highest among the groups gnomAD compares: South Asian, 0.013%; 1 homozygote.

Submissions (3):

Ambry Genetics
Classification: Uncertain significance for Inborn genetic diseases. Last evaluated: 2025-01-03. Review status: criteria provided, single submitter. Criteria: Ambry Variant Classification Scheme 2023. Collection method: clinical testing. Allele origin: germline.

Blueprint Genetics
Classification: Uncertain significance. Last evaluated: 2023-08-24. Review status: criteria provided, single submitter. Criteria: ACMG Guidelines, 2015. Collection method: clinical testing. Allele origin: germline.

Labcorp Genetics (formerly Invitae), Labcorp
Classification: Uncertain significance for Senior-Loken syndrome 8; Asphyxiating thoracic dystrophy 5. Last evaluated: 2021-02-20. Review status: criteria provided, single submitter. Criteria: Invitae Variant Classification Sherloc (09022015). Collection method: clinical testing. Allele origin: germline.
Comment: In summary, the available evidence is currently insufficient to determine the role of this variant in disease. Therefore, it has been classified as a Variant of Uncertain Significance. Advanced modeling of protein sequence and biophysical properties (such as structural, functional, and spatial information, amino acid conservation, physicochemical variation, residue mobility, and thermodynamic stability) performed at Invitae indicates that this missense variant is expected to disrupt WDR19 protein function. This variant has not been reported in the literature in individuals with WDR19-related conditions. This variant is present in population databases (rs756937727, ExAC 0.02%), including at least one homozygous and/or hemizygous individual. This sequence change replaces methionine with isoleucine at codon 246 of the WDR19 protein (p.Met246Ile). The methionine residue is moderately conserved and there is a small physicochemical difference between methionine and isoleucine.